The following is an entry in ClinVar:

NM_001103.4(ACTN2):c.617A>G (p.Asp206Gly)

Gene: ACTN2 (actinin alpha 2; plus strand). Cytogenetic location: 1q43.
Variant type: single nucleotide variant.
Coding change: c.617A>G on transcript NM_001103.4 (MANE Select); coding-DNA position 617, A replaced by G.
Protein change: p.Asp206Gly; replaces aspartic acid 206 with glycine.
Molecular consequence: missense variant. On other transcripts: 5 prime UTR variant (1).
Genome position (GRCh38, 1-based): chr1:236,731,234, A>G. VCF-style: chr1-236731234-A-G. GRCh37 (hg19) VCF-style: chr1-236894534-A-G.
Other names: c.617A>G (NM_001103.2); c.617A>G, p.Asp206Gly (NM_001278343.2); c.-205A>G (NM_001278344.2); short protein forms D206G.
Identifiers: ClinVar variation 1524180 (VCV001524180.10), dbSNP rs148048699, ClinGen allele CA39718885.

ClinVar aggregate classification (germline): Uncertain significance. Review status: criteria provided, multiple submitters, no conflicts (2 of 4 stars). 2 submissions from 2 submitters: Uncertain significance (2). Last evaluated 2026-03-05.

Conditions:
Dilated cardiomyopathy 1AA (CMD1AA). Also called: Cardiomyopathy, dilated, 1AA, with or without LVNC; CARDIOMYOPATHY, DILATED, 1AA, WITH OR WITHOUT LEFT VENTRICULAR NONCOMPACTION; CARDIOMYOPATHY, FAMILIAL HYPERTROPHIC, 23, WITH OR WITHOUT LEFT VENTRICULAR NONCOMPACTION. Identifiers: Orphanet 154, MedGen C2677338, MONDO:0012808, OMIM 612158.
Primary familial hypertrophic cardiomyopathy (HCM). Identifiers: Orphanet 99739, MedGen C0949658, MeSH D024741, MONDO:0024573. Inheritance: Various modes of inheritance.

Allele frequency attached by ClinVar (database versions not stated): gnomAD exomes below 0.00001; ESP Exome Variant Server 0.00008.

Submissions (2):

GeneDx
Classification: Uncertain significance. Last evaluated: 2026-03-05. Review status: criteria provided, single submitter. Criteria: GeneDx Variant Classification Process June 2021. Collection method: clinical testing. Allele origin: germline.
Comment: Not observed at significant frequency in large population cohorts (gnomAD); In silico analysis supports that this missense variant has a deleterious effect on protein structure/function; Has not been previously published as pathogenic or benign to our knowledge

Labcorp Genetics (formerly Invitae), Labcorp
Classification: Uncertain significance for Primary familial hypertrophic cardiomyopathy; Dilated cardiomyopathy 1AA. Last evaluated: 2024-08-08. Review status: criteria provided, single submitter. Criteria: Invitae Variant Classification Sherloc (09022015). Collection method: clinical testing. Allele origin: germline.
Comment: This sequence change replaces aspartic acid, which is acidic and polar, with glycine, which is neutral and non-polar, at codon 206 of the ACTN2 protein (p.Asp206Gly). This variant is not present in population databases (gnomAD no frequency). This variant has not been reported in the literature in individuals affected with ACTN2-related conditions. ClinVar contains an entry for this variant (Variation ID: 1524180). An algorithm developed to predict the effect of missense changes on protein structure and function (PolyPhen-2) suggests that this variant is likely to be tolerated. In summary, the available evidence is currently insufficient to determine the role of this variant in disease. Therefore, it has been classified as a Variant of Uncertain Significance.